The following is an entry in ClinVar:

ClinVar aggregate classification (germline): Uncertain significance (1 of 4 stars; one submission).

gnomAD v4.1: 5 of 1,566,886 alleles (0.00032%); highest among the groups gnomAD compares: Non-Finnish European, 0.00043%; no homozygotes.

Submission:

Labcorp Genetics (formerly Invitae), Labcorp
Classification: Uncertain significance. Last evaluated: 2025-05-11. Review status: criteria provided, single submitter. Criteria: Invitae Variant Classification Sherloc (09022015). Collection method: clinical testing. Allele origin: germline.
Comment: This sequence change replaces proline, which is neutral and non-polar, with arginine, which is basic and polar, at codon 2184 of the KMT2B protein (p.Pro2184Arg). This variant is not present in population databases (gnomAD no frequency). This variant has not been reported in the literature in individuals affected with KMT2B-related conditions. Invitae Evidence Modeling of protein sequence and biophysical properties (such as structural, functional, and spatial information, amino acid conservation, physicochemical variation, residue mobility, and thermodynamic stability) indicates that this missense variant is not expected to disrupt KMT2B protein function with a negative predictive value of 95%. In summary, the available evidence is currently insufficient to determine the role of this variant in disease. Therefore, it has been classified as a Variant of Uncertain Significance.

NM_014727.3(KMT2B):c.6551C>G (p.Pro2184Arg)

Gene: KMT2B (lysine methyltransferase 2B; plus strand). Cytogenetic location: 19q13.12.
Variant type: single nucleotide variant.
Coding change: c.6551C>G on transcript NM_014727.3 (MANE Select); coding-DNA position 6551, C replaced by G.
Protein change: p.Pro2184Arg; replaces proline 2184 with arginine.
Molecular consequence: missense variant.
Genome position (GRCh38, 1-based): chr19:35,733,100, C>G. VCF-style: chr19-35733100-C-G. GRCh37 (hg19) VCF-style: chr19-36224001-C-G.
Other names: short protein forms P2184R.
Identifiers: ClinVar variation 4690427 (VCV004690427.1).
Genomic context (GRCh38, chr19:35,733,100, plus strand): 5'-CCTGGCTCCCAGGGGCCCCAGGGGTCCGGGTGTTAAGCCTTGGCCCTGCCCCTGAGCCCC[C>G]CAAACCCGCCACATCCAAAATCATACTTGTCAACAAGCTGGGGCAAGTATTTGTGAAGAT-3'
Protein context (NP_055542.1, residues 2174-2194): VLSLGPAPEP[Pro2184Arg]KPATSKIILV